The following is an entry in ClinVar:

ClinVar aggregate classification (germline): Uncertain significance (1 of 4 stars; one submission).

gnomAD v4.1: 3 of 1,602,778 alleles (0.00019%); highest among the groups gnomAD compares: Non-Finnish European, 0.00026%; no homozygotes.

Submission:

Women's Health and Genetics/Laboratory Corporation of America, LabCorp
Classification: Uncertain significance. Last evaluated: 2023-12-15. Review status: criteria provided, single submitter. Criteria: LabCorp Variant Classification Summary - May 2015. Collection method: clinical testing. Allele origin: germline.
Comment: Variant summary: FREM1 c.3236C>T (p.Ser1079Phe) results in a non-conservative amino acid change in the encoded protein sequence. Two of three in-silico tools predict a damaging effect of the variant on protein function. The variant allele was found at a frequency of 4.3e-06 in 234272 control chromosomes. The available data on variant occurrences in the general population are insufficient to allow any conclusion about variant significance. To our knowledge, no occurrence of c.3236C>T in individuals affected with FREM1-Related Disorders and no experimental evidence demonstrating its impact on protein function have been reported. No submitters have cited clinical-significance assessments for this variant to ClinVar after 2014. Based on the evidence outlined above, the variant was classified as uncertain significance.

NM_001379081.2(FREM1):c.3236C>T (p.Ser1079Phe)

Gene: FREM1 (FRAS1 related extracellular matrix 1; minus strand). Cytogenetic location: 9p22.3.
Variant type: single nucleotide variant.
Coding change: c.3236C>T on transcript NM_001379081.2 (MANE Select); coding-DNA position 3236, C replaced by T.
Protein change: p.Ser1079Phe; replaces serine 1079 with phenylalanine.
Molecular consequence: missense variant. On other transcripts: non-coding transcript variant (2).
Genome position (GRCh38, 1-based): chr9:14,806,699, G>A on the plus strand (C>T on the coding strand, the complement: FREM1 is on the minus strand). VCF-style: chr9-14806699-G-A. GRCh37 (hg19) VCF-style: chr9-14806697-G-A.
Other names: c.3236C>T, p.Ser1079Phe (NM_144966.7); short protein forms S1079F.
Identifiers: ClinVar variation 2691302 (VCV002691302.1), dbSNP rs1164614395, ClinGen allele CA372952665.